The following is an entry in ClinVar:

NM_001371928.1(AHDC1):c.1788dup (p.Pro597fs)

Gene: AHDC1 (AT-hook DNA binding motif containing 1; minus strand). Cytogenetic location: 1p36.11.
Variant type: Duplication.
Coding change: c.1788dup on transcript NM_001371928.1 (MANE Select); coding-DNA position 1788, one base duplicated (T; older notation c.1788dupT).
Protein change: p.Pro597fs; shifts the reading frame from proline 597.
Molecular consequence: frameshift variant.
Genome position (GRCh38, 1-based): chr1:27,550,328, A duplicated on the plus strand (T on the coding strand, the reverse complement: AHDC1 is on the minus strand). VCF-style (leftmost placement, unchanged base first): chr1-27550327-G-GA. GRCh37 (hg19) VCF-style: chr1-27876838-G-GA.
Other names: c.1788dup, p.Pro597fs (NM_001029882.3); short protein forms P597fs.
Identifiers: ClinVar variation 3378327 (VCV003378327.1).

ClinVar aggregate classification (germline): Pathogenic (1 of 4 stars; one submission).

Submission:

GeneDx
Classification: Pathogenic. Last evaluated: 2024-05-12. Review status: criteria provided, single submitter. Criteria: GeneDx Variant Classification Process June 2021. Collection method: clinical testing. Allele origin: germline. Affected: yes.
Comment: Frameshift variant predicted to result in protein truncation in a gene for which loss of function is a known mechanism of disease; Not observed at significant frequency in large population cohorts (gnomAD); Has not been previously published as pathogenic or benign to our knowledge